The following is an entry in ClinVar:

NM_144701.3(IL23R):c.691A>G (p.Ile231Val)

Gene: IL23R (interleukin 23 receptor; plus strand). Cytogenetic location: 1p31.3.
Variant type: single nucleotide variant.
Coding change: c.691A>G on transcript NM_144701.3 (MANE Select); coding-DNA position 691, A replaced by G.
Protein change: p.Ile231Val; replaces isoleucine 231 with valine.
Molecular consequence: missense variant.
Genome position (GRCh38, 1-based): chr1:67,206,948, A>G. VCF-style: chr1-67206948-A-G. GRCh37 (hg19) VCF-style: chr1-67672631-A-G.
Other names: short protein forms I231V.
Identifiers: ClinVar variation 1416333 (VCV001416333.6), dbSNP rs778411499, ClinGen allele CA899798.

ClinVar aggregate classification (germline): Uncertain significance (1 of 4 stars; one submission).

Allele frequency attached by ClinVar (database versions not stated): gnomAD exomes below 0.00001 and 0.00001; ExAC 0.00001; gnomAD 0.00002.
gnomAD v4.1: 11 of 1,596,328 alleles (0.00069%); highest among the groups gnomAD compares: Non-Finnish European, 0.00085%; no homozygotes.

Submission:

Labcorp Genetics (formerly Invitae), Labcorp
Classification: Uncertain significance. Last evaluated: 2023-08-28. Review status: criteria provided, single submitter. Criteria: Invitae Variant Classification Sherloc (09022015). Collection method: clinical testing. Allele origin: germline.
Comment: ClinVar contains an entry for this variant (Variation ID: 1416333). In summary, the available evidence is currently insufficient to determine the role of this variant in disease. Therefore, it has been classified as a Variant of Uncertain Significance. Algorithms developed to predict the effect of missense changes on protein structure and function output the following: SIFT: "Not Available"; PolyPhen-2: "Benign"; Align-GVGD: "Not Available". The valine amino acid residue is found in multiple mammalian species, which suggests that this missense change does not adversely affect protein function. This variant has not been reported in the literature in individuals affected with IL23R-related conditions. This variant is not present in population databases (gnomAD no frequency). This sequence change replaces isoleucine, which is neutral and non-polar, with valine, which is neutral and non-polar, at codon 231 of the IL23R protein (p.Ile231Val).